The following is an entry in ClinVar:

ClinVar aggregate classification (germline): Uncertain significance. Review status: criteria provided, multiple submitters, no conflicts (2 of 4 stars). 2 submissions from 2 submitters: Uncertain significance (2). Last evaluated 2025-08-11.

gnomAD v4.1: 3 of 1,613,812 alleles (0.00019%); highest among the groups gnomAD compares: African/African-American, 0.0027%; no homozygotes.

Submissions (2):

Labcorp Genetics (formerly Invitae), Labcorp
Classification: Uncertain significance. Last evaluated: 2025-08-11. Review status: criteria provided, single submitter. Criteria: Invitae Variant Classification Sherloc (09022015). Collection method: clinical testing. Allele origin: germline.
Comment: This sequence change replaces aspartic acid, which is acidic and polar, with asparagine, which is neutral and polar, at codon 120 of the PRDM13 protein (p.Asp120Asn). This variant is present in population databases (no rsID available, gnomAD 0.007%). This variant has not been reported in the literature in individuals affected with PRDM13-related conditions. ClinVar contains an entry for this variant (Variation ID: 1946998). An algorithm developed to predict the effect of missense changes on protein structure and function (PolyPhen-2) suggests that this variant is likely to be disruptive. In summary, the available evidence is currently insufficient to determine the role of this variant in disease. Therefore, it has been classified as a Variant of Uncertain Significance.

Blueprint Genetics
Classification: Uncertain significance. Last evaluated: 2024-07-16. Review status: criteria provided, single submitter. Criteria: ACMG Guidelines, 2015. Collection method: clinical testing. Allele origin: germline.

NM_021620.4(PRDM13):c.358G>A (p.Asp120Asn)

Gene: PRDM13 (PR/SET domain 13; plus strand). Cytogenetic location: 6q16.2.
Variant type: single nucleotide variant.
Coding change: c.358G>A on transcript NM_021620.4 (MANE Select); coding-DNA position 358, G replaced by A.
Protein change: p.Asp120Asn; replaces aspartic acid 120 with asparagine.
Molecular consequence: missense variant.
Genome position (GRCh38, 1-based): chr6:99,609,268, G>A. VCF-style: chr6-99609268-G-A. GRCh37 (hg19) VCF-style: chr6-100057144-G-A.
Other names: short protein forms D120N.
Identifiers: ClinVar variation 1946998 (VCV001946998.6), dbSNP rs774871635, ClinGen allele CA143972459.